The following is an entry in ClinVar:

NM_080473.5(GATA5):c.914G>A (p.Gly305Glu)

Gene: GATA5 (GATA binding protein 5; minus strand). Cytogenetic location: 20q13.33.
Variant type: single nucleotide variant.
Coding change: c.914G>A on transcript NM_080473.5 (MANE Select); coding-DNA position 914, G replaced by A.
Protein change: p.Gly305Glu; replaces glycine 305 with glutamic acid.
Molecular consequence: missense variant.
Genome position (GRCh38, 1-based): chr20:62,465,464, C>T on the plus strand (G>A on the coding strand, the complement: GATA5 is on the minus strand). VCF-style: chr20-62465464-C-T. GRCh37 (hg19) VCF-style: chr20-61040520-C-T.
Other names: short protein forms G305E.
Identifiers: ClinVar variation 2662587 (VCV002662587.4), dbSNP rs376756613, ClinGen allele CA9946118.

ClinVar aggregate classification (germline): Uncertain significance. Review status: criteria provided, multiple submitters, no conflicts (2 of 4 stars). 2 submissions from 2 submitters: Uncertain significance (2). Last evaluated 2025-12-21.

Allele frequency attached by ClinVar (database versions not stated): TOPMed 0.00003; gnomAD 0.00003; ExAC 0.00003; gnomAD exomes 0.00005; ESP Exome Variant Server 0.00008.
gnomAD v4.1: 81 of 1,606,278 alleles (0.005%); highest among the groups gnomAD compares: Non-Finnish European, 0.0064%; no homozygotes.

Submissions (2):

Labcorp Genetics (formerly Invitae), Labcorp
Classification: Uncertain significance. Last evaluated: 2025-12-21. Review status: criteria provided, single submitter. Criteria: Invitae Variant Classification Sherloc (09022015). Collection method: clinical testing. Allele origin: germline.
Comment: This sequence change replaces glycine, which is neutral and non-polar, with glutamic acid, which is acidic and polar, at codon 305 of the GATA5 protein (p.Gly305Glu). The frequency data for this variant in the population databases is considered unreliable, as metrics indicate poor data quality at this position in the gnomAD database. This variant has not been reported in the literature in individuals affected with GATA5-related conditions. ClinVar contains an entry for this variant (Variation ID: 2662587). An algorithm developed to predict the effect of missense changes on protein structure and function (PolyPhen-2) suggests that this variant is likely to be disruptive. In summary, the available evidence is currently insufficient to determine the role of this variant in disease. Therefore, it has been classified as a Variant of Uncertain Significance.

GeneDx
Classification: Uncertain significance. Last evaluated: 2023-10-19. Review status: criteria provided, single submitter. Criteria: GeneDx Variant Classification Process June 2021. Collection method: clinical testing. Allele origin: germline. Affected: yes.
Comment: Has not been previously published as pathogenic or benign to our knowledge; Not observed at significant frequency in large population cohorts (gnomAD); In silico analysis supports that this missense variant has a deleterious effect on protein structure/function